The following is an entry in ClinVar:

NM_001077350.3(NPRL3):c.924+5A>T

Genes: HBA-LCR (alpha-globin locus control region; plus strand), NPRL3 (NPR3 like, GATOR1 complex subunit; minus strand). Cytogenetic location: 16p13.3.
Variant type: single nucleotide variant.
Coding change: c.924+5A>T on transcript NM_001077350.3 (MANE Select); 5 bases into the intron after coding-DNA position 924, A replaced by T.
Molecular consequence: intron variant.
Genome position (GRCh38, 1-based): chr16:98,140, T>A on the plus strand (A>T on the coding strand, the complement: NPRL3 is on the minus strand). VCF-style: chr16-98140-T-A. GRCh37 (hg19) VCF-style: chr16-148138-T-A.
Other names: c.690+5A>T (NM_001243247.2); c.849+5A>T (NM_001243248.2, NM_001243249.2); c.387+5A>T (NM_001039476.3).
Identifiers: ClinVar variation 1036615 (VCV001036615.7), dbSNP rs1899101610, ClinGen allele CA2200838614.

ClinVar aggregate classification (germline): Uncertain significance (1 of 4 stars; one submission).

Conditions:
Epilepsy, familial focal, with variable foci 3 (FFEVF3). Identifiers: MedGen C4310708, MONDO:0014925, OMIM 617118.

Submission:

Labcorp Genetics (formerly Invitae), Labcorp
Classification: Uncertain significance for Epilepsy, familial focal, with variable foci 3. Last evaluated: 2020-11-06. Review status: criteria provided, single submitter. Criteria: Invitae Variant Classification Sherloc (09022015). Collection method: clinical testing. Allele origin: germline.
Comment: This variant is not present in population databases (ExAC no frequency). This sequence change falls in intron 9 of the NPRL3 gene. It does not directly change the encoded amino acid sequence of the NPRL3 protein, but it affects a nucleotide within the consensus splice site of the intron. This variant has not been reported in the literature in individuals with NPRL3-related conditions. Nucleotide substitutions within the consensus splice site are a relatively common cause of aberrant splicing (PMID: 17576681, 9536098). Experimental studies and prediction algorithms are not available or were not evaluated, and the effect of this variant on mRNA splicing is currently unknown. In summary, the available evidence is currently insufficient to determine the role of this variant in disease. Therefore, it has been classified as a Variant of Uncertain Significance.

Literature cited by the submitters: PubMed 17576681; PubMed 9536098.